The following is an entry in ClinVar:

NM_001371928.1(AHDC1):c.1787C>T (p.Ser596Phe)

Gene: AHDC1 (AT-hook DNA binding motif containing 1; minus strand). Cytogenetic location: 1p36.11.
Variant type: single nucleotide variant.
Coding change: c.1787C>T on transcript NM_001371928.1 (MANE Select); coding-DNA position 1787, C replaced by T.
Protein change: p.Ser596Phe; replaces serine 596 with phenylalanine.
Molecular consequence: missense variant.
Genome position (GRCh38, 1-based): chr1:27,550,329, G>A on the plus strand (C>T on the coding strand, the complement: AHDC1 is on the minus strand). VCF-style: chr1-27550329-G-A. GRCh37 (hg19) VCF-style: chr1-27876840-G-A.
Other names: c.1787C>T, p.Ser596Phe (NM_001029882.3); c.1787C>T (NM_001029882.2); short protein forms S596F.
Identifiers: ClinVar variation 1433264 (VCV001433264.9), dbSNP rs772889908, ClinGen allele CA715884.
Genomic context (GRCh38, chr1:27,550,329, plus strand): 5'-AGGACGTCTGAGTACTCGGCCTTGCTGTCGTTGGCGTCTGCTGCATAGGATGGCTGGGGA[G>A]ATGCCAGCTTCTGCTTCCGCCGCCGTCGTTTTTTTACCTCTGGCATGGCCATGGTGGCCG-3'
Protein context (NP_001358857.1, residues 586-606): KRRRRKQKLA[Ser596Phe]PQPSYAADAN

ClinVar aggregate classification (germline): Uncertain significance. Review status: criteria provided, multiple submitters, no conflicts (2 of 4 stars). 3 submissions from 3 submitters: Uncertain significance (3). Last evaluated 2026-07-15.

Conditions:
AHDC1-related disorder. Also called: AHDC1-related condition.
Inborn genetic diseases. Identifiers: MedGen C0950123, MeSH D030342.

Allele frequency attached by ClinVar (database versions not stated): gnomAD exomes 0.00001 and 0.00002; ExAC 0.00002; gnomAD 0.00002; TOPMed 0.00002.
gnomAD v4.1: 30 of 1,613,990 alleles (0.0019%); highest among the groups gnomAD compares: South Asian, 0.0044%; no homozygotes.

Submissions (3):

PreventionGenetics, part of Exact Sciences
Classification: Uncertain significance for AHDC1-related condition. Last evaluated: 2026-07-15. Review status: criteria provided, single submitter. Criteria: ACMG Guidelines, 2015. Collection method: clinical testing. Allele origin: germline.
Comment: The AHDC1 c.1787C>T variant is predicted to result in the amino acid substitution p.Ser596Phe. To our knowledge, this variant has not been reported in the literature. This variant is reported in 0.0026% of alleles in individuals of European (Non-Finnish) descent in gnomAD. At this time, the clinical significance of this variant is uncertain due to the absence of conclusive functional and genetic evidence.

Ambry Genetics
Classification: Uncertain significance for Inborn genetic diseases. Last evaluated: 2025-03-14. Review status: criteria provided, single submitter. Criteria: Ambry Variant Classification Scheme 2023. Collection method: clinical testing. Allele origin: germline.

Labcorp Genetics (formerly Invitae), Labcorp
Classification: Uncertain significance. Last evaluated: 2024-10-05. Review status: criteria provided, single submitter. Criteria: Invitae Variant Classification Sherloc (09022015). Collection method: clinical testing. Allele origin: germline.
Comment: This sequence change replaces serine, which is neutral and polar, with phenylalanine, which is neutral and non-polar, at codon 596 of the AHDC1 protein (p.Ser596Phe). This variant is present in population databases (rs772889908, gnomAD 0.002%). This variant has not been reported in the literature in individuals affected with AHDC1-related conditions. ClinVar contains an entry for this variant (Variation ID: 1433264). An algorithm developed to predict the effect of missense changes on protein structure and function (PolyPhen-2) suggests that this variant is likely to be disruptive. In summary, the available evidence is currently insufficient to determine the role of this variant in disease. Therefore, it has been classified as a Variant of Uncertain Significance.